The following is an entry in ClinVar:

NM_005476.7(GNE):c.452C>A (p.Thr151Lys)

Gene: GNE (glucosamine (UDP-N-acetyl)-2-epimerase/N-acetylmannosamine kinase; minus strand). Cytogenetic location: 9p13.3.
Variant type: single nucleotide variant.
Coding change: c.452C>A on transcript NM_005476.7 (MANE Select); coding-DNA position 452, C replaced by A.
Protein change: p.Thr151Lys; replaces threonine 151 with lysine.
Molecular consequence: missense variant.
Genome position (GRCh38, 1-based): chr9:36,246,195, G>T on the plus strand (C>A on the coding strand, the complement: GNE is on the minus strand). VCF-style: chr9-36246195-G-T. GRCh37 (hg19) VCF-style: chr9-36246192-G-T.
Other names: c.545C>A, p.Thr182Lys (NM_001128227.3); c.452C>A, p.Thr151Lys (NM_001190383.3, NM_001374797.1); c.275C>A, p.Thr92Lys (NM_001190384.3, NM_001190388.2, NM_001374798.1); short protein forms T151K, T182K, T92K.
Identifiers: ClinVar variation 3381963 (VCV003381963.2).
Genomic context (GRCh38, chr9:36,246,195, plus strand): 5'-ATGGATATCAGGTGCTGCTCTGCACTGCGGGTGCAGCACACATGATAATGAGCCAGTTTT[G>T]TTATGGCATGTCTGATAGAGTCATCAATGGTCCCACTGACTTCCCCACCTTCAATGTGAA-3'
Protein context (NP_005467.1, residues 141-161): TIDDSIRHAI[Thr151Lys]KLAHYHVCCT

ClinVar aggregate classification (germline): Uncertain significance (1 of 4 stars; one submission).

Conditions:
GNE myopathy (NM). Also called: INCLUSION BODY MYOPATHY, HEREDITARY, AUTOSOMAL RECESSIVE; NONAKA DISTAL MYOPATHY; IBM 2; Inclusion body myopathy autosomal recessive; Inclusion body myopathy quadriceps sparing; INCLUSION BODY MYOPATHY 2, AUTOSOMAL RECESSIVE. Identifiers: Orphanet 602, MedGen C1853926, MONDO:0011603, OMIM 605820.

Submission:

Juno Genomics, Hangzhou Juno Genomics, Inc
Classification: Uncertain significance for GNE myopathy. Review status: criteria provided, single submitter. Criteria: ACMG Guidelines, 2015. Collection method: clinical testing. Allele origin: germline. Affected: yes.
Comment: Absent from controls (or at extremely low frequency if recessive) in Genome Aggregation Database, Exome Sequencing Project, 1000 Genomes Project, or Exome Aggregation Consortium.;Multiple lines of computational evidence support a deleterious effect on the gene or gene product (conservation, evolutionary, splicing impact, etc).